The following is an entry in ClinVar:

NM_006567.5(FARS2):c.704C>T (p.Ala235Val)

Gene: FARS2 (phenylalanyl-tRNA synthetase 2, mitochondrial; plus strand). Cytogenetic location: 6p25.1.
Variant type: single nucleotide variant.
Coding change: c.704C>T on transcript NM_006567.5 (MANE Select); coding-DNA position 704, C replaced by T.
Protein change: p.Ala235Val; replaces alanine 235 with valine.
Molecular consequence: missense variant.
Genome position (GRCh38, 1-based): chr6:5,404,633, C>T. VCF-style: chr6-5404633-C-T. GRCh37 (hg19) VCF-style: chr6-5404866-C-T.
Other names: c.704C>T, p.Ala235Val (NM_001318872.2, NM_001374875.1, NM_001374876.1 and 5 more transcripts); c.8C>T, p.Ala3Val (NM_001375259.1, NM_001375260.1); short protein forms A235V, A3V.
Identifiers: ClinVar variation 1427586 (VCV001427586.6), dbSNP rs763234952, ClinGen allele CA3623715.

ClinVar aggregate classification (germline): Uncertain significance. Review status: criteria provided, multiple submitters, no conflicts (2 of 4 stars). 2 submissions from 2 submitters: Uncertain significance (2). Last evaluated 2025-12-19.

Conditions:
Combined oxidative phosphorylation defect type 14. Also called: Combined oxidative phosphorylation deficiency 14. Identifiers: Orphanet 319519, MedGen C4755312, MONDO:0013986, OMIM 614946.

Allele frequency attached by ClinVar (database versions not stated): ExAC 0.00001; gnomAD 0.00001 and 0.00003; gnomAD exomes 0.00001 and 0.00002; TOPMed 0.00005.
gnomAD v4.1: 26 of 1,612,954 alleles (0.0016%); highest among the groups gnomAD compares: Middle Eastern, 0.05%; no homozygotes.

Submissions (2):

Labcorp Genetics (formerly Invitae), Labcorp
Classification: Uncertain significance for Combined oxidative phosphorylation defect type 14. Last evaluated: 2025-12-19. Review status: criteria provided, single submitter. Criteria: Invitae Variant Classification Sherloc (09022015). Collection method: clinical testing. Allele origin: germline.
Comment: This sequence change replaces alanine, which is neutral and non-polar, with valine, which is neutral and non-polar, at codon 235 of the FARS2 protein (p.Ala235Val). This variant is present in population databases (rs763234952, gnomAD 0.004%). This variant has not been reported in the literature in individuals affected with FARS2-related conditions. ClinVar contains an entry for this variant (Variation ID: 1427586). Invitae Evidence Modeling of protein sequence and biophysical properties (such as structural, functional, and spatial information, amino acid conservation, physicochemical variation, residue mobility, and thermodynamic stability) indicates that this missense variant is expected to disrupt FARS2 protein function with a positive predictive value of 95%. In summary, the available evidence is currently insufficient to determine the role of this variant in disease. Therefore, it has been classified as a Variant of Uncertain Significance.

Blueprint Genetics
Classification: Uncertain significance. Last evaluated: 2024-10-29. Review status: criteria provided, single submitter. Criteria: ACMG Guidelines, 2015. Collection method: clinical testing. Allele origin: germline.